The following is an entry in ClinVar:

NM_033004.4(NLRP1):c.114G>C (p.Ser38=)

Gene: NLRP1 (NLR family pyrin domain containing 1; minus strand). Cytogenetic location: 17p13.2.
Variant type: single nucleotide variant.
Coding change: c.114G>C on transcript NM_033004.4 (MANE Select); coding-DNA position 114, G replaced by C.
Protein change: p.Ser38=; no amino-acid change (serine 38 retained).
Molecular consequence: synonymous variant.
Genome position (GRCh38, 1-based): chr17:5,583,844, C>G on the plus strand (G>C on the coding strand, the complement: NLRP1 is on the minus strand). VCF-style: chr17-5583844-C-G. GRCh37 (hg19) VCF-style: chr17-5487164-C-G.
Other names: p.Ser38=; c.114G>C, p.Ser38= (NM_001033053.3, NM_014922.5, NM_033006.4 and 1 more transcripts).
Identifiers: ClinVar variation 403241 (VCV000403241.22), dbSNP rs884367, ClinGen allele CA8327651.

ClinVar aggregate classification (germline): Benign/Likely benign. Review status: criteria provided, multiple submitters, no conflicts (2 of 4 stars). 11 submissions from 9 submitters: Benign (9); Likely benign (1). 1 of the submissions does not count toward it. Last evaluated 2026-02-04.

Conditions:
NLRP1-related disorder. Also called: NLRP1-related condition.
Respiratory papillomatosis, juvenile recurrent, congenital. Identifiers: MedGen C5394112, MONDO:0032925, OMIM 618803.
Autoinflammation with arthritis and dyskeratosis (AIADK). Identifiers: MedGen C4479278, MONDO:0060457, OMIM 617388.
Corneal intraepithelial dyskeratosis-palmoplantar hyperkeratosis-laryngeal dyskeratosis syndrome. Also called: Palmoplantar carcinoma, multiple self-healing. Identifiers: Orphanet 352662, MedGen C3808876, MONDO:0014089, OMIM 615225.

Allele frequency attached by ClinVar (database versions not stated): ESP Exome Variant Server 0.12991; gnomAD 0.15491 and 0.16955; TOPMed 0.16089; 1000 Genomes Project 30x 0.26608; 1000 Genomes Project 0.28315.
gnomAD v4.1: 306,167 of 1,569,478 alleles (20%); highest among the groups gnomAD compares: East Asian, 63%; 37,503 homozygotes.

Submissions (11):

Labcorp Genetics (formerly Invitae), Labcorp
Classification: Benign. Last evaluated: 2026-02-04. Review status: criteria provided, single submitter. Criteria: Invitae Variant Classification Sherloc (09022015). Collection method: clinical testing. Allele origin: germline.

Women's Health and Genetics/Laboratory Corporation of America, LabCorp
Classification: Benign. Last evaluated: 2026-01-21. Review status: criteria provided, single submitter. Criteria: LabCorp Variant Classification Summary - May 2015. Collection method: clinical testing. Allele origin: germline.

Blueprint Genetics
Classification: Likely benign. Last evaluated: 2024-11-27. Review status: criteria provided, single submitter. Criteria: ACMG Guidelines, 2015. Collection method: clinical testing. Allele origin: germline.

Unidad de Genómica Garrahan, Hospital de Pediatría Garrahan
Classification: Benign. Last evaluated: 2023-11-12. Review status: criteria provided, single submitter. Criteria: ACMG Guidelines, 2015. Collection method: clinical testing. Allele origin: germline. Affected: no. Observed: 37 variant alleles.
Comment: This variant is classified as Benign based on local population frequency. This variant was detected in 39% of patients studied by a panel of primary immunodeficiencies. Number of patients: 37. Only high quality variants are reported.

Mayo Clinic Laboratories, Mayo Clinic
Classification: Benign. Last evaluated: 2022-09-06. Review status: criteria provided, single submitter. Criteria: ACMG Guidelines, 2015. Collection method: clinical testing. Allele origin: germline. Observed: 144 variant alleles.

Genome-Nilou Lab
Classification: Benign for Respiratory papillomatosis, juvenile recurrent, congenital. Last evaluated: 2021-09-05. Review status: criteria provided, single submitter. Criteria: ACMG Guidelines, 2015. Collection method: clinical testing. Allele origin: germline. Affected: no.

Genome-Nilou Lab
Classification: Benign for Autoinflammation with arthritis and dyskeratosis. Last evaluated: 2021-09-05. Review status: criteria provided, single submitter. Criteria: ACMG Guidelines, 2015. Collection method: clinical testing. Allele origin: germline. Affected: no.

Genome-Nilou Lab
Classification: Benign for Corneal intraepithelial dyskeratosis-palmoplantar hyperkeratosis-laryngeal dyskeratosis syndrome. Last evaluated: 2021-09-05. Review status: criteria provided, single submitter. Criteria: ACMG Guidelines, 2015. Collection method: clinical testing. Allele origin: germline. Affected: no.

Laboratory for Molecular Medicine, Mass General Brigham Personalized Medicine
Classification: Benign. Last evaluated: 2016-03-29. Review status: criteria provided, single submitter. Criteria: LMM Criteria. Collection method: clinical testing. Allele origin: germline.
Comment: Variant identified in a genome or exome case(s) and assessed due to predicted null impact of the variant or pathogenic assertions in the literature or databases. Disclaimer: This variant has not undergone full assessment. The following are preliminary notes: Frequency

Breakthrough Genomics
Classification: Benign. Review status: criteria provided, single submitter. Criteria: ACMG Guidelines, 2015. Collection method: not provided. Allele origin: germline. Inheritance: Autosomal recessive inheritance. Affected: yes.

PreventionGenetics, part of Exact Sciences
Classification: Benign for NLRP1-related condition. Last evaluated: 2024-01-28. Review status: no assertion criteria provided. Collection method: clinical testing. Allele origin: germline. Not counted in ClinVar's aggregate classification.
Comment: This variant is classified as benign based on ACMG/AMP sequence variant interpretation guidelines (Richards et al. 2015 PMID: 25741868, with internal and published modifications).